The following is an entry in ClinVar:

ClinVar aggregate classification (germline): Uncertain significance. Review status: criteria provided, multiple submitters, no conflicts (2 of 4 stars). 2 submissions from 2 submitters: Uncertain significance (2). Last evaluated 2025-05-13.

Conditions:
Hereditary cancer-predisposing syndrome. Also called: Neoplastic Syndromes, Hereditary; Hereditary Cancer Syndrome; Tumor predisposition; Hereditary neoplastic syndrome. Identifiers: Orphanet 140162, MedGen C0027672, MeSH D009386, MONDO:0015356.

gnomAD v4.1: 4 of 1,598,840 alleles (0.00025%); highest among the groups gnomAD compares: Non-Finnish European, 0.00026%; no homozygotes.

Submissions (2):

Ambry Genetics
Classification: Uncertain significance for Hereditary cancer-predisposing syndrome. Last evaluated: 2025-05-13. Review status: criteria provided, single submitter. Criteria: Ambry Variant Classification Scheme 2023. Collection method: clinical testing. Allele origin: germline.
Comment: The c.3276-3C>T intronic variant results from a C to T substitution 3 nucleotides upstream from coding exon 27 in the POLE gene. This nucleotide position is not well conserved in available vertebrate species. In silico splice site analysis predicts that this alteration will not have any significant effect on splicing. Based on the available evidence, the clinical significance of this variant remains unclear.

Labcorp Genetics (formerly Invitae), Labcorp
Classification: Uncertain significance. Last evaluated: 2022-01-01. Review status: criteria provided, single submitter. Criteria: Invitae Variant Classification Sherloc (09022015). Collection method: clinical testing. Allele origin: germline.
Comment: In summary, the available evidence is currently insufficient to determine the role of this variant in disease. Therefore, it has been classified as a Variant of Uncertain Significance. Variants that disrupt the consensus splice site are a relatively common cause of aberrant splicing (PMID: 17576681, 9536098). Algorithms developed to predict the effect of sequence changes on RNA splicing suggest that this variant is not likely to affect RNA splicing. This variant has not been reported in the literature in individuals affected with POLE-related conditions. This variant is not present in population databases (gnomAD no frequency). This sequence change falls in intron 26 of the POLE gene. It does not directly change the encoded amino acid sequence of the POLE protein. It affects a nucleotide within the consensus splice site.

Literature cited by the submitters: PubMed 17576681 (cited by Labcorp Genetics (formerly Invitae), Labcorp); PubMed 9536098 (cited by Labcorp Genetics (formerly Invitae), Labcorp).

NM_006231.4(POLE):c.3276-3C>T

Gene: POLE (DNA polymerase epsilon, catalytic subunit; minus strand). Cytogenetic location: 12q24.33.
Variant type: single nucleotide variant.
Coding change: c.3276-3C>T on transcript NM_006231.4 (MANE Select); 3 bases into the intron before coding-DNA position 3276, C replaced by T.
Molecular consequence: intron variant.
Genome position (GRCh38, 1-based): chr12:132,657,973, G>A on the plus strand (C>T on the coding strand, the complement: POLE is on the minus strand). VCF-style: chr12-132657973-G-A. GRCh37 (hg19) VCF-style: chr12-133234559-G-A.
Other names: c.3276-3C>T (NM_006231.2).
Identifiers: ClinVar variation 2068275 (VCV002068275.5), dbSNP rs781306395, ClinGen allele CA2580086037.